The following is an entry in ClinVar:

NM_012414.4(RAB3GAP2):c.1613C>T (p.Pro538Leu)

Gene: RAB3GAP2 (RAB3 GTPase activating non-catalytic protein subunit 2; minus strand). Cytogenetic location: 1q41.
Variant type: single nucleotide variant.
Coding change: c.1613C>T on transcript NM_012414.4 (MANE Select); coding-DNA position 1613, C replaced by T.
Protein change: p.Pro538Leu; replaces proline 538 with leucine.
Molecular consequence: missense variant.
Genome position (GRCh38, 1-based): chr1:220,190,395, G>A on the plus strand (C>T on the coding strand, the complement: RAB3GAP2 is on the minus strand). VCF-style: chr1-220190395-G-A. GRCh37 (hg19) VCF-style: chr1-220363737-G-A.
Other names: short protein forms P538L.
Identifiers: ClinVar variation 1309561 (VCV001309561.2), dbSNP rs201995018, ClinGen allele CA1402664.

ClinVar aggregate classification (germline): Uncertain significance (1 of 4 stars; one submission).

Allele frequency attached by ClinVar (database versions not stated): gnomAD 0.00001; ExAC 0.00003; gnomAD exomes 0.00004 and 0.00008; TOPMed 0.00005; ESP Exome Variant Server 0.00015.
gnomAD v4.1: 110 of 1,613,942 alleles (0.0068%); highest among the groups gnomAD compares: Non-Finnish European, 0.0092%; no homozygotes.

Submission:

GeneDx
Classification: Uncertain significance. Last evaluated: 2019-10-16. Review status: criteria provided, single submitter. Criteria: GeneDx Variant Classification Process June 2021. Collection method: clinical testing. Allele origin: germline. Affected: yes.
Comment: In silico analysis, which includes protein predictors and evolutionary conservation, supports a deleterious effect; Observed in a patient with dilated cardiomyopathy who had a different genetic etiology for the phenotype (Herkert et al., 2018); This variant is associated with the following publications: (PMID: 29517769)